The following is an entry in ClinVar:

NM_012414.4(RAB3GAP2):c.3400G>C (p.Val1134Leu)

Gene: RAB3GAP2 (RAB3 GTPase activating non-catalytic protein subunit 2; minus strand). Cytogenetic location: 1q41.
Variant type: single nucleotide variant.
Coding change: c.3400G>C on transcript NM_012414.4 (MANE Select); coding-DNA position 3400, G replaced by C.
Protein change: p.Val1134Leu; replaces valine 1134 with leucine.
Molecular consequence: missense variant.
Genome position (GRCh38, 1-based): chr1:220,157,425, C>G on the plus strand (G>C on the coding strand, the complement: RAB3GAP2 is on the minus strand). VCF-style: chr1-220157425-C-G. GRCh37 (hg19) VCF-style: chr1-220330767-C-G.
Other names: short protein forms V1134L.
Identifiers: ClinVar variation 766883 (VCV000766883.12), dbSNP rs138489010, ClinGen allele CA1402125.

ClinVar aggregate classification (germline): Likely benign. Review status: criteria provided, single submitter (1 of 4 stars). 2 submissions from 2 submitters: Likely benign (1). 1 of the submissions does not count toward it. Last evaluated 2025-11-05.

Conditions:
RAB3GAP2-related disorder. Also called: RAB3GAP2-related disorders; RAB3GAP2-related condition.
Martsolf syndrome (MARTS). Also called: Congenital cataract with intellectual disability and hypogonadotropic hypogonadism syndrome. Identifiers: Orphanet 1387, MedGen C0796037, MONDO:0023910.
Warburg micro syndrome 2 (WARBM2). Also called: MICRO SYNDROME 2. Identifiers: Orphanet 2510, MedGen C3280214, MONDO:0013641, OMIM 614225.

Allele frequency attached by ClinVar (database versions not stated): 1000 Genomes Project 30x 0.00016; TOPMed 0.00016.
gnomAD v4.1: 99 of 1,613,986 alleles (0.0061%); highest among the groups gnomAD compares: East Asian, 0.22%; no homozygotes.

Submissions (2):

Labcorp Genetics (formerly Invitae), Labcorp
Classification: Likely benign for Martsolf syndrome; Warburg micro syndrome 2. Last evaluated: 2025-11-05. Review status: criteria provided, single submitter. Criteria: Invitae Variant Classification Sherloc (09022015). Collection method: clinical testing. Allele origin: germline.

PreventionGenetics, part of Exact Sciences
Classification: Likely benign for RAB3GAP2-related condition. Last evaluated: 2024-03-24. Review status: no assertion criteria provided. Collection method: clinical testing. Allele origin: germline. Not counted in ClinVar's aggregate classification.
Comment: This variant is classified as likely benign based on ACMG/AMP sequence variant interpretation guidelines (Richards et al. 2015 PMID: 25741868, with internal and published modifications).